The following is an entry in ClinVar:

ClinVar aggregate classification (germline): Uncertain significance (1 of 4 stars; one submission).

Conditions:
Tuberous sclerosis 2 (TSC2). Identifiers: Orphanet 805, MedGen C1860707, MONDO:0013199, OMIM 613254.

Submission:

Labcorp Genetics (formerly Invitae), Labcorp
Classification: Uncertain significance for Tuberous sclerosis 2. Last evaluated: 2022-04-19. Review status: criteria provided, single submitter. Criteria: Invitae Variant Classification Sherloc (09022015). Collection method: clinical testing. Allele origin: germline.
Comment: In summary, the available evidence is currently insufficient to determine the role of this variant in disease. Therefore, it has been classified as a Variant of Uncertain Significance. This sequence change replaces aspartic acid, which is acidic and polar, with glycine, which is neutral and non-polar, at codon 386 of the TSC2 protein (p.Asp386Gly). This variant is not present in population databases (gnomAD no frequency). This variant has not been reported in the literature in individuals affected with TSC2-related conditions. Advanced modeling of protein sequence and biophysical properties (such as structural, functional, and spatial information, amino acid conservation, physicochemical variation, residue mobility, and thermodynamic stability) performed at Invitae indicates that this missense variant is not expected to disrupt TSC2 protein function.

NM_000548.5(TSC2):c.1157A>G (p.Asp386Gly)

Gene: TSC2 (TSC complex subunit 2; plus strand). Cytogenetic location: 16p13.3.
Variant type: single nucleotide variant.
Coding change: c.1157A>G on transcript NM_000548.5 (MANE Select); coding-DNA position 1157, A replaced by G.
Protein change: p.Asp386Gly; replaces aspartic acid 386 with glycine.
Molecular consequence: missense variant.
Genome position (GRCh38, 1-based): chr16:2,061,908, A>G. VCF-style: chr16-2061908-A-G. GRCh37 (hg19) VCF-style: chr16-2111909-A-G.
Other names: c.1157A>G, p.Asp386Gly (NM_001077183.3, NM_001114382.3, NM_001363528.2 and 6 more transcripts); c.1046A>G, p.Asp349Gly (NM_001318827.2, NM_001406670.1, NM_001406678.1); c.1010A>G, p.Asp337Gly (NM_001318829.2, NM_001406675.1, NM_001406676.1 and 1 more transcripts); c.557A>G, p.Asp186Gly (NM_001318831.2, NM_001406680.1, NM_001406682.1 and 6 more transcripts); c.1190A>G, p.Asp397Gly (NM_001318832.2); c.1247A>G, p.Asp416Gly (NM_001406667.1, NM_001406668.1); c.1145A>G, p.Asp382Gly (NM_001406671.1, NM_001406673.1); c.1100A>G, p.Asp367Gly (NM_001406677.1); and 4 more; short protein forms D382G, D397G, D349G, D386G, D186G, D337G, D416G, D232G.
Identifiers: ClinVar variation 2128026 (VCV002128026.4), dbSNP rs2151154884, ClinGen allele CA394320137.
Genomic context (GRCh38, chr16:2,061,908, plus strand): 5'-TGTCATCGTGCCTGGTACTGCAGACCTTGGACAGCCCGGAGCTCAGGACCATCGTCCATG[A>G]CCTGTTGACCACGGTGGAGGAGCTGTGTGACCAGAACGAGTTCCACGGGTCTCAGGAGAG-3'
Protein context (NP_000539.2, residues 376-396): DSPELRTIVH[Asp386Gly]LLTTVEELCD